The following is an entry in ClinVar:

ClinVar aggregate classification (germline): Uncertain significance (1 of 4 stars; one submission).

Conditions:
Progressive myoclonic epilepsy type 8. Identifiers: Orphanet 424027, MedGen C5190825, MONDO:0014545, OMIM 616230.

Submission:

Labcorp Genetics (formerly Invitae), Labcorp
Classification: Uncertain significance for Progressive myoclonic epilepsy type 8. Last evaluated: 2022-07-26. Review status: criteria provided, single submitter. Criteria: Invitae Variant Classification Sherloc (09022015). Collection method: clinical testing. Allele origin: germline.
Comment: This sequence change replaces alanine, which is neutral and non-polar, with leucine, which is neutral and non-polar, at codon 239 of the CERS1 protein (p.Ala239Leu). This variant is present in population databases (no rsID available, gnomAD 0.4%). This variant has not been reported in the literature in individuals affected with CERS1-related conditions. ClinVar contains an entry for this variant (Variation ID: 1363274). Algorithms developed to predict the effect of missense changes on protein structure and function are either unavailable or do not agree on the potential impact of this missense change (SIFT: "Not Available"; PolyPhen-2: "Benign"; Align-GVGD: "Not Available"). In summary, the available evidence is currently insufficient to determine the role of this variant in disease. Therefore, it has been classified as a Variant of Uncertain Significance.

NM_021267.5(CERS1):c.715_716delinsTT (p.Ala239Leu)

Genes: GDF1 (growth differentiation factor 1; minus strand), CERS1 (ceramide synthase 1; minus strand). Cytogenetic location: 19p13.11.
Variant type: Indel.
Coding change: c.715_716delinsTT on transcript NM_021267.5 (MANE Select); coding-DNA positions 715 to 716, GC replaced by TT.
Protein change: p.Ala239Leu; replaces alanine 239 with leucine.
Molecular consequence: missense variant. On other transcripts: 5 prime UTR variant (1), intron variant (1).
Genome position (GRCh38, 1-based): chr19:18,880,310-18,880,311, GC replaced by AA on the plus strand (GC replaced by TT on the coding strand, the reverse complement: CERS1 is on the minus strand). VCF-style: chr19-18880310-GC-AA. GRCh37 (hg19) VCF-style: chr19-18991119-GC-AA.
Other names: c.421_422delinsTT, p.Ala141Leu (NM_001290265.2, NM_001387442.1, NM_001387443.1 and 2 more transcripts); c.715_716delinsTT, p.Ala239Leu (NM_001387439.1, NM_001387440.1, NM_198207.3); c.670_671delinsTT, p.Ala224Leu (NM_001387441.1); c.-608_-607delinsTT (NM_001492.6); c.-313+3776_-313+3777delinsTT (NM_001387438.1); short protein forms A141L, A224L, A239L.
Identifiers: ClinVar variation 1363274 (VCV001363274.5), dbSNP rs2146018425, ClinGen allele CA2573156159.
Genomic context (GRCh38, chr19:18,880,310, plus strand): 5'-TGCCCAGCACTCCCTACCACTCACCAGCTGAAGCCGAAGCTGAGGCAGCCCAAGTCTGCT[GC>AA]CAAGGCATGCAGCCGATGGTAGGAGCCGCCGCGGGACTTGAAGTAAATGTTGAGCTTGGT-3'
Protein context (NP_067090.1, residues 229-249): GGSYHRLHAL[Ala239Leu]ADLGCLSFGF